The following is an entry in ClinVar:

NM_000137.4(FAH):c.*88C>T

Gene: FAH (fumarylacetoacetate hydrolase; plus strand). Cytogenetic location: 15q25.1.
Variant type: single nucleotide variant.
Coding change: c.*88C>T on transcript NM_000137.4 (MANE Select); 88 bases downstream of the stop codon, C replaced by T.
Molecular consequence: 3 prime UTR variant.
Genome position (GRCh38, 1-based): chr15:80,186,297, C>T. VCF-style: chr15-80186297-C-T. GRCh37 (hg19) VCF-style: chr15-80478639-C-T.
Other names: c.*88C>T (NM_001374377.1, NM_001374380.1).
Identifiers: ClinVar variation 317218 (VCV000317218.8), dbSNP rs113381157, ClinGen allele CA10646660.
Genomic context (GRCh38, chr15:80,186,297, plus strand): 5'-GGGCTCAAGCACCCCTTTCAACCCTGTGACTGGGGTCCTCCCTCGGGCTGTAGGCCTGGT[C>T]CGCCATTCAGTGACAAATAAAGCCATTGTGCTCTGAGGCCTGCACTGCCGCAGATGCAGC-3'

ClinVar aggregate classification (germline): Benign/Likely benign. Review status: criteria provided, multiple submitters, no conflicts (2 of 4 stars). 3 submissions from 3 submitters: Benign (1); Likely benign (2). Last evaluated 2019-07-22.

Conditions:
Tyrosinemia type I (TYRSN1). Also called: Tyrosinemia type 1; Fumarylacetoacetase deficiency; Deficiency of fumarylacetoacetase; FAH DEFICIENCY; HEPATORENAL TYROSINEMIA. Identifiers: Orphanet 882, MedGen C0268490, MONDO:0010161, OMIM 276700. Disease mechanism: loss of function.

Allele frequency attached by ClinVar (database versions not stated): gnomAD 0.01818 and 0.02449; TOPMed 0.02980; 1000 Genomes Project 30x 0.09135; 1000 Genomes Project 0.09585.
gnomAD v4.1: 27,248 of 1,066,174 alleles (2.6%); highest among the groups gnomAD compares: East Asian, 22%; 2,255 homozygotes.

Submissions (3):

GeneDx
Classification: Likely benign. Last evaluated: 2019-07-22. Review status: criteria provided, single submitter. Criteria: GeneDx Variant Classification Process June 2021. Collection method: clinical testing. Allele origin: germline. Affected: yes.

Illumina Laboratory Services, Illumina
Classification: Benign for Tyrosinemia type I. Last evaluated: 2018-01-13. Review status: criteria provided, single submitter. Criteria: ICSL Variant Classification Criteria 13 December 2019. Collection method: clinical testing. Allele origin: germline.
Comment: This variant was observed in the ICSL laboratory as part of a predisposition screen in an ostensibly healthy population. It had not been previously curated by ICSL or reported in the Human Gene Mutation Database (HGMD: prior to June 1st, 2018), and was therefore a candidate for classification through an automated scoring system. Utilizing variant allele frequency, disease prevalence and penetrance estimates, and inheritance mode, an automated score was calculated to assess if this variant is too frequent to cause the disease. Based on the score and internal cut-off values, a variant classified as benign is not then subjected to further curation. The score for this variant resulted in a classification of benign for this disease.

Breakthrough Genomics
Classification: Likely benign. Review status: criteria provided, single submitter. Criteria: ACMG Guidelines, 2015. Collection method: not provided. Allele origin: germline. Inheritance: Autosomal recessive inheritance. Affected: yes.